The following is an entry in ClinVar:

NM_000384.3(APOB):c.7955T>C (p.Ile2652Thr)

Gene: APOB (apolipoprotein B; minus strand). Cytogenetic location: 2p24.1.
Variant type: single nucleotide variant.
Coding change: c.7955T>C on transcript NM_000384.3 (MANE Select); coding-DNA position 7955, T replaced by C.
Protein change: p.Ile2652Thr; replaces isoleucine 2652 with threonine.
Molecular consequence: missense variant.
Genome position (GRCh38, 1-based): chr2:21,008,913, A>G on the plus strand (T>C on the coding strand, the complement: APOB is on the minus strand). VCF-style: chr2-21008913-A-G. GRCh37 (hg19) VCF-style: chr2-21231785-A-G.
Other names: short protein forms I2652T.
Identifiers: ClinVar variation 919597 (VCV000919597.7), dbSNP rs1221037514, ClinGen allele CA345995752.

ClinVar aggregate classification (germline): Uncertain significance. Review status: criteria provided, multiple submitters, no conflicts (2 of 4 stars). 2 submissions from 2 submitters: Uncertain significance (2). Last evaluated 2022-12-18.

Conditions:
Cardiovascular phenotype. Identifiers: MedGen CN230736.
Familial hypobetalipoproteinemia 1. Also called: Hypobetalipoproteinemia, normotriglyceridemic; Acanthocytosis with hypobetalipoproteinemia; APOB-Related Familial Hypobetalipoproteinemia. Identifiers: MedGen C4551990, MONDO:0014252, OMIM 615558.
Hypercholesterolemia, autosomal dominant, type B (FHCL2). Also called: Familial Hypercholesterolemia Type B; HYPERCHOLESTEROLEMIA, FAMILIAL, DUE TO LIGAND-DEFECTIVE APOLIPOPROTEIN B; Familial hypercholesterolemia 2; APOB-Related Familial Hypercholesterolemia, Autosomal Dominant; APOLIPOPROTEIN B-100, FAMILIAL DEFECTIVE; APOLIPOPROTEIN B-100, FAMILIAL LIGAND-DEFECTIVE. Identifiers: MedGen C1704417, MONDO:0007751, OMIM 144010.

Allele frequency attached by ClinVar (database versions not stated): gnomAD exomes below 0.00001; TOPMed 0.00002.
gnomAD v4.1: 1 of 1,614,074 alleles (0.000062%); highest among the groups gnomAD compares: Non-Finnish European, 0.000085%; no homozygotes.

Submissions (2):

Labcorp Genetics (formerly Invitae), Labcorp
Classification: Uncertain significance for Familial hypobetalipoproteinemia 1; Hypercholesterolemia, autosomal dominant, type B. Last evaluated: 2022-12-18. Review status: criteria provided, single submitter. Criteria: Invitae Variant Classification Sherloc (09022015). Collection method: clinical testing. Allele origin: germline.
Comment: This variant is not present in population databases (gnomAD no frequency). This variant has not been reported in the literature in individuals affected with APOB-related conditions. ClinVar contains an entry for this variant (Variation ID: 919597). Advanced modeling of protein sequence and biophysical properties (such as structural, functional, and spatial information, amino acid conservation, physicochemical variation, residue mobility, and thermodynamic stability) performed at Invitae indicates that this missense variant is not expected to disrupt APOB protein function. In summary, the available evidence is currently insufficient to determine the role of this variant in disease. Therefore, it has been classified as a Variant of Uncertain Significance. This sequence change replaces isoleucine, which is neutral and non-polar, with threonine, which is neutral and polar, at codon 2652 of the APOB protein (p.Ile2652Thr).

Ambry Genetics
Classification: Uncertain significance for Cardiovascular phenotype. Last evaluated: 2022-04-01. Review status: criteria provided, single submitter. Criteria: Ambry Variant Classification Scheme 2023. Collection method: clinical testing. Allele origin: germline.
Comment: The p.I2652T variant (also known as c.7955T>C), located in coding exon 26 of the APOB gene, results from a T to C substitution at nucleotide position 7955. The isoleucine at codon 2652 is replaced by threonine, an amino acid with similar properties. This amino acid position is conserved. In addition, this alteration is predicted to be tolerated by in silico analysis. Since supporting evidence is limited at this time, the clinical significance of this alteration remains unclear.